The following is an entry in ClinVar:

NM_080424.4(SP110):c.1631dup (p.Gln545fs)

Gene: SP110 (SP110 nuclear body protein; minus strand). Cytogenetic location: 2q37.1.
Variant type: Duplication.
Coding change: c.1631dup on transcript NM_080424.4 (MANE Select); coding-DNA position 1631, one base duplicated (G; older notation c.1631dupG).
Protein change: p.Gln545fs; shifts the reading frame from glutamine 545.
Molecular consequence: frameshift variant.
Genome position (GRCh38, 1-based): chr2:230,172,919, C duplicated on the plus strand (G on the coding strand, the reverse complement: SP110 is on the minus strand); the first of 5 consecutive C bases (chr2:230,172,919-230,172,923); duplicating any one gives the same sequence. VCF-style (leftmost placement, unchanged base first): chr2-230172918-T-TC. GRCh37 (hg19) VCF-style: chr2-231037634-T-TC.
Other names: c.1649dup, p.Gln551fs (NM_001378442.1, NM_001378444.1, NM_001378445.1 and 1 more transcripts); c.1631dup, p.Gln545fs (NM_001378443.1, NM_004509.5); short protein forms Q545fs, Q551fs.
Identifiers: ClinVar variation 2416113 (VCV002416113.6), dbSNP rs2078486744, ClinGen allele CA1334203310.

ClinVar aggregate classification (germline): Pathogenic (1 of 4 stars; one submission).

Conditions:
Hepatic veno-occlusive disease-immunodeficiency syndrome. Also called: Hepatic Veno-Occlusive Disease with Immunodeficiency. Identifiers: Orphanet 79124, MedGen C1856128, MONDO:0009338, OMIM 235550. Disease mechanism: loss of function.

Submission:

Labcorp Genetics (formerly Invitae), Labcorp
Classification: Pathogenic for Hepatic veno-occlusive disease-immunodeficiency syndrome. Last evaluated: 2022-04-08. Review status: criteria provided, single submitter. Criteria: Invitae Variant Classification Sherloc (09022015). Collection method: clinical testing. Allele origin: germline.
Comment: This sequence change creates a premature translational stop signal (p.Gln545Thrfs*14) in the SP110 gene. It is expected to result in an absent or disrupted protein product. Loss-of-function variants in SP110 are known to be pathogenic (PMID: 16648851, 22621957). This variant is not present in population databases (gnomAD no frequency). This variant has not been reported in the literature in individuals affected with SP110-related conditions. For these reasons, this variant has been classified as Pathogenic.

Literature cited by the submitters: PubMed 16648851; PubMed 22621957.